The following is an entry in ClinVar:

ClinVar aggregate classification (germline): Pathogenic (1 of 4 stars; one submission).

Conditions:
Peroxisome biogenesis disorder. Identifiers: Orphanet 79189, MedGen C1832200, MONDO:0019234. Disease mechanism: loss of function.

Submission:

Labcorp Genetics (formerly Invitae), Labcorp
Classification: Pathogenic for Peroxisome biogenesis disorder. Last evaluated: 2022-07-19. Review status: criteria provided, single submitter. Criteria: Invitae Variant Classification Sherloc (09022015). Collection method: clinical testing. Allele origin: germline.
Comment: For these reasons, this variant has been classified as Pathogenic. ClinVar contains an entry for this variant (Variation ID: 1069798). This variant has not been reported in the literature in individuals affected with PEX16-related conditions. This sequence change creates a premature translational stop signal (p.Thr22Serfs*60) in the PEX16 gene. It is expected to result in an absent or disrupted protein product. Loss-of-function variants in PEX16 are known to be pathogenic (PMID: 9837814, 11890679, 20647552, 20681997). This variant is not present in population databases (gnomAD no frequency).

Literature cited by the submitters: PubMed 9837814; PubMed 11890679; PubMed 20647552; PubMed 20681997.

NM_004813.4(PEX16):c.65_71del (p.Thr22fs)

Gene: PEX16 (peroxisomal biogenesis factor 16; minus strand). Cytogenetic location: 11p11.2.
Variant type: Deletion.
Coding change: c.65_71del on transcript NM_004813.4 (MANE Select); coding-DNA positions 65 to 71, 7 bases deleted (CGGCCCA; older notation c.65_71delCGGCCCA).
Protein change: p.Thr22fs; shifts the reading frame from threonine 22.
Molecular consequence: frameshift variant.
Genome position (GRCh38, 1-based): chr11:45,917,741-45,917,747, TGGGCCG deleted on the plus strand (CGGCCCA on the coding strand, the reverse complement: PEX16 is on the minus strand); deleting any 7 consecutive bases within chr11:45,917,741-45,917,750 gives the same sequence; the c. name uses the placement nearest the transcript's 3' end. VCF-style (leftmost placement, unchanged base first): chr11-45917740-CTGGGCCG-C. GRCh37 (hg19) VCF-style: chr11-45939291-CTGGGCCG-C.
Other names: c.65_71del, p.Thr22fs (NM_057174.3); short protein forms T22fs.
Identifiers: ClinVar variation 1069798 (VCV001069798.7), dbSNP rs2134699707, ClinGen allele CA2499220952.